The following is an entry in ClinVar:

ClinVar aggregate classification (germline): Uncertain significance (1 of 4 stars; one submission).

Conditions:
Hypertrophic cardiomyopathy 12. Identifiers: MedGen C2677491, MONDO:0012804, OMIM 612124.
Dilated cardiomyopathy 1M (CMD1M). Identifiers: Orphanet 154, MedGen C1843808, MONDO:0011840, OMIM 607482.

Allele frequency attached by ClinVar (database versions not stated): gnomAD exomes below 0.00001; ExAC 0.00001.
gnomAD v4.1: 2 of 1,614,046 alleles (0.00012%); highest among the groups gnomAD compares: Non-Finnish European, 0.00017%; no homozygotes.

Submission:

Labcorp Genetics (formerly Invitae), Labcorp
Classification: Uncertain significance for Hypertrophic cardiomyopathy 12; Dilated cardiomyopathy 1M. Last evaluated: 2023-10-29. Review status: criteria provided, single submitter. Criteria: Invitae Variant Classification Sherloc (09022015). Collection method: clinical testing. Allele origin: germline.
Comment: This sequence change replaces proline, which is neutral and non-polar, with leucine, which is neutral and non-polar, at codon 178 of the CSRP3 protein (p.Pro178Leu). This variant is present in population databases (rs767944340, gnomAD 0.0009%). This variant has not been reported in the literature in individuals affected with CSRP3-related conditions. An algorithm developed to predict the effect of missense changes on protein structure and function (PolyPhen-2) suggests that this variant is likely to be disruptive. In summary, the available evidence is currently insufficient to determine the role of this variant in disease. Therefore, it has been classified as a Variant of Uncertain Significance.

NM_003476.5(CSRP3):c.533C>T (p.Pro178Leu)

Gene: CSRP3 (cysteine and glycine rich protein 3; minus strand). Cytogenetic location: 11p15.1.
Variant type: single nucleotide variant.
Coding change: c.533C>T on transcript NM_003476.5 (MANE Select); coding-DNA position 533, C replaced by T.
Protein change: p.Pro178Leu; replaces proline 178 with leucine.
Molecular consequence: missense variant.
Genome position (GRCh38, 1-based): chr11:19,182,722, G>A on the plus strand (C>T on the coding strand, the complement: CSRP3 is on the minus strand). VCF-style: chr11-19182722-G-A. GRCh37 (hg19) VCF-style: chr11-19204269-G-A.
Other names: c.533C>T, p.Pro178Leu (NM_001127656.1); c.364C>T, p.Pro122Ser (NM_001369404.1); short protein forms P122S, P178L.
Identifiers: ClinVar variation 2936804 (VCV002936804.3), dbSNP rs767944340, ClinGen allele CA5916509.
Genomic context (GRCh38, chr11:19,182,722, plus strand): 5'-GCACCTCTTCATTCTTTCTTTTCCACTTGTTGTGTAAGGCCTCCAAACCCAATACCCGTG[G>A]GGCCAAAATTTTTGGCATAGCAAACTGTGAATGAGAAGAGGATGAAGGGAGAGACAATGC-3'
Protein context (NP_003467.1, residues 168-188): CKVCYAKNFG[Pro178Leu]TGIGFGGLTQ